The following is an entry in ClinVar:

ClinVar aggregate classification (germline): Uncertain significance. Review status: criteria provided, multiple submitters, no conflicts (2 of 4 stars). 2 submissions from 2 submitters: Uncertain significance (2). Last evaluated 2021-08-07.

Conditions:
3-methylglutaconic aciduria with deafness, encephalopathy, and Leigh-like syndrome (MEGDEL). Also called: 3-METHYLGLUTACONIC ACIDURIA, TYPE VI; SERAC1 Deficiency; MEGDEL syndrome. Identifiers: Orphanet 352328, MedGen C4040739, MONDO:0013875, OMIM 614739.

Allele frequency attached by ClinVar (database versions not stated): gnomAD exomes below 0.00001; TOPMed 0.00001.
gnomAD v4.1: 2 of 1,613,828 alleles (0.00012%); highest among the groups gnomAD compares: Non-Finnish European, 0.00017%; no homozygotes.

Submissions (2):

Labcorp Genetics (formerly Invitae), Labcorp
Classification: Uncertain significance for 3-methylglutaconic aciduria with deafness, encephalopathy, and Leigh-like syndrome. Last evaluated: 2021-08-07. Review status: criteria provided, single submitter. Criteria: Invitae Variant Classification Sherloc (09022015). Collection method: clinical testing. Allele origin: germline.
Comment: This sequence change replaces glycine with glutamic acid at codon 15 of the SERAC1 protein (p.Gly15Glu). The glycine residue is moderately conserved and there is a moderate physicochemical difference between glycine and glutamic acid. This variant is not present in population databases (ExAC no frequency). This variant has not been reported in the literature in individuals affected with SERAC1-related conditions. Algorithms developed to predict the effect of missense changes on protein structure and function (SIFT, PolyPhen-2, Align-GVGD) all suggest that this variant is likely to be tolerated. In summary, the available evidence is currently insufficient to determine the role of this variant in disease. Therefore, it has been classified as a Variant of Uncertain Significance.

Breakthrough Genomics
Classification: Uncertain significance. Review status: criteria provided, single submitter. Criteria: ACMG Guidelines, 2015. Collection method: not provided. Allele origin: germline. Inheritance: Autosomal recessive inheritance. Affected: yes.

NM_032861.4(SERAC1):c.44G>A (p.Gly15Glu)

Gene: SERAC1 (serine active site containing 1; minus strand). Cytogenetic location: 6q25.3.
Variant type: single nucleotide variant.
Coding change: c.44G>A on transcript NM_032861.4 (MANE Select); coding-DNA position 44, G replaced by A.
Protein change: p.Gly15Glu; replaces glycine 15 with glutamic acid.
Molecular consequence: missense variant. On other transcripts: non-coding transcript variant (1).
Genome position (GRCh38, 1-based): chr6:158,158,320, C>T on the plus strand (G>A on the coding strand, the complement: SERAC1 is on the minus strand). VCF-style: chr6-158158320-C-T. GRCh37 (hg19) VCF-style: chr6-158579352-C-T.
Other names: short protein forms G15E.
Identifiers: ClinVar variation 1388603 (VCV001388603.4), dbSNP rs1785406112, ClinGen allele CA366249931.
Genomic context (GRCh38, chr6:158,158,320, plus strand): 5'-AAGCTGTACTCACTGATATCTCTCCAGTGTGTGCCACTTTTTGGTGGGGAAGTAGAGGTT[C>T]CTATTCTTCTGCAACAGATGACGCAATAAGCAGCCAGGGACATTCTGTGTAAGTAGAACA-3'
Protein context (NP_116250.3, residues 5-25): AYCVICCRRI[Gly15Glu]TSTSPPKSGT